The following is an entry in ClinVar:

ClinVar aggregate classification (germline): Likely benign. Review status: criteria provided, multiple submitters, no conflicts (2 of 4 stars). 4 submissions from 4 submitters: Likely benign (3). 1 of the submissions does not count toward it. Last evaluated 2025-01-16.

Conditions:
Costello syndrome (CSTLO). Also called: FACIOCUTANEOSKELETAL SYNDROME; FCS SYNDROME; HRAS-Related Costello Syndrome. Identifiers: Orphanet 3071, MedGen C0587248, MONDO:0009026, OMIM 218040.
Cardiovascular phenotype. Identifiers: MedGen CN230736.
HRAS-related disorder. Also called: HRAS-related condition.

Allele frequency attached by ClinVar (database versions not stated): gnomAD exomes below 0.00001.
gnomAD v4.1: 1 of 1,613,310 alleles (0.000062%); highest among the groups gnomAD compares: Non-Finnish European, 0.000085%; no homozygotes.

Submissions (4):

Labcorp Genetics (formerly Invitae), Labcorp
Classification: Likely benign for Costello syndrome. Last evaluated: 2025-01-16. Review status: criteria provided, single submitter. Criteria: Invitae Variant Classification Sherloc (09022015). Collection method: clinical testing. Allele origin: germline.

Ambry Genetics
Classification: Likely benign for Cardiovascular phenotype. Last evaluated: 2024-07-11. Review status: criteria provided, single submitter. Criteria: Ambry Variant Classification Scheme 2023. Collection method: clinical testing. Allele origin: germline.

Women's Health and Genetics/Laboratory Corporation of America, LabCorp
Classification: Likely benign. Last evaluated: 2022-08-06. Review status: criteria provided, single submitter. Criteria: LabCorp Variant Classification Summary - May 2015. Collection method: clinical testing. Allele origin: germline.

PreventionGenetics, part of Exact Sciences
Classification: Likely benign for HRAS-related condition. Last evaluated: 2023-05-25. Review status: no assertion criteria provided. Collection method: clinical testing. Allele origin: germline. Not counted in ClinVar's aggregate classification.
Comment: This variant is classified as likely benign based on ACMG/AMP sequence variant interpretation guidelines (Richards et al. 2015 PMID: 25741868, with internal and published modifications).

NM_005343.4(HRAS):c.192C>T (p.Tyr64=)

Genes: LRRC56 (leucine rich repeat containing 56; plus strand), HRAS (HRas proto-oncogene, GTPase; minus strand). Cytogenetic location: 11p15.5.
Variant type: single nucleotide variant.
Coding change: c.192C>T on transcript NM_005343.4 (MANE Select); coding-DNA position 192, C replaced by T.
Protein change: p.Tyr64=; no amino-acid change (tyrosine 64 retained).
Molecular consequence: synonymous variant. On other transcripts: 5 prime UTR variant (1).
Genome position (GRCh38, 1-based): chr11:533,864, G>A on the plus strand (C>T on the coding strand, the complement: HRAS is on the minus strand). VCF-style: chr11-533864-G-A. GRCh37 (hg19) VCF-style: chr11-533864-G-A.
Other names: c.192C>T, p.Tyr64= (NM_001130442.3, NM_176795.5); c.-128C>T (NM_001318054.2); c.192C>T (NM_005343.2).
Identifiers: ClinVar variation 1126862 (VCV001126862.13), dbSNP rs2133990881, ClinGen allele CA472429302.